The following is an entry in ClinVar:

ClinVar aggregate classification (germline): Uncertain significance. Review status: criteria provided, multiple submitters, no conflicts (2 of 4 stars). 2 submissions from 2 submitters: Uncertain significance (2). Last evaluated 2025-12-08.

Conditions:
Inborn genetic diseases. Identifiers: MedGen C0950123, MeSH D030342.

Allele frequency attached by ClinVar (database versions not stated): gnomAD exomes 0.00005; TOPMed 0.00005; ExAC 0.00005.
gnomAD v4.1: 78 of 1,614,100 alleles (0.0048%); highest among the groups gnomAD compares: Admixed American, 0.01%; no homozygotes.

Submissions (2):

Ambry Genetics
Classification: Uncertain significance for Inborn genetic diseases. Last evaluated: 2025-12-08. Review status: criteria provided, single submitter. Criteria: Ambry Variant Classification Scheme 2023. Collection method: clinical testing. Allele origin: germline.

Labcorp Genetics (formerly Invitae), Labcorp
Classification: Uncertain significance. Last evaluated: 2024-12-02. Review status: criteria provided, single submitter. Criteria: Invitae Variant Classification Sherloc (09022015). Collection method: clinical testing. Allele origin: germline.
Comment: This sequence change replaces proline, which is neutral and non-polar, with leucine, which is neutral and non-polar, at codon 957 of the MAPKBP1 protein (p.Pro957Leu). This variant is present in population databases (rs754926509, gnomAD 0.009%). This variant has not been reported in the literature in individuals affected with MAPKBP1-related conditions. ClinVar contains an entry for this variant (Variation ID: 2162731). An algorithm developed to predict the effect of missense changes on protein structure and function (PolyPhen-2) suggests that this variant is likely to be disruptive. In summary, the available evidence is currently insufficient to determine the role of this variant in disease. Therefore, it has been classified as a Variant of Uncertain Significance.

NM_014994.3(MAPKBP1):c.2852C>T (p.Pro951Leu)

Gene: MAPKBP1 (mitogen-activated protein kinase binding protein 1; plus strand). Cytogenetic location: 15q15.1.
Variant type: single nucleotide variant.
Coding change: c.2852C>T on transcript NM_014994.3 (MANE Select); coding-DNA position 2852, C replaced by T.
Protein change: p.Pro951Leu; replaces proline 951 with leucine.
Molecular consequence: missense variant. On other transcripts: non-coding transcript variant (2).
Genome position (GRCh38, 1-based): chr15:41,821,717, C>T. VCF-style: chr15-41821717-C-T. GRCh37 (hg19) VCF-style: chr15-42113915-C-T.
Other names: c.2870C>T (NM_001128608.1); c.2870C>T, p.Pro957Leu (NM_001128608.2); c.2852C>T, p.Pro951Leu (NM_001265611.2); short protein forms P957L, P951L.
Identifiers: ClinVar variation 2162731 (VCV002162731.4), dbSNP rs754926509, ClinGen allele CA7498389.